The following is an entry in ClinVar:

ClinVar aggregate classification (germline): Uncertain significance (1 of 4 stars; one submission).

Allele frequency attached by ClinVar (database versions not stated): gnomAD exomes below 0.00001.
gnomAD v4.1: 4 of 1,605,060 alleles (0.00025%); highest among the groups gnomAD compares: Non-Finnish European, 0.00034%; no homozygotes.

Submission:

Ambry Genetics
Classification: Uncertain significance. Last evaluated: 2021-10-30. Review status: criteria provided, single submitter. Criteria: Ambry Variant Classification Scheme 2023. Collection method: clinical testing. Allele origin: germline.
Comment: The p.H334R variant (also known as c.1001A>G), located in coding exon 11 of the PRKDC gene, results from an A to G substitution at nucleotide position 1001. The histidine at codon 334 is replaced by arginine, an amino acid with highly similar properties. This amino acid position is conserved. In addition, this alteration is predicted to be tolerated by in silico analysis. Since supporting evidence is limited at this time, the clinical significance of this alteration remains unclear.

NM_006904.7(PRKDC):c.1001A>G (p.His334Arg)

Gene: PRKDC (protein kinase, DNA-activated, catalytic subunit; minus strand). Cytogenetic location: 8q11.21.
Variant type: single nucleotide variant.
Coding change: c.1001A>G on transcript NM_006904.7 (MANE Select); coding-DNA position 1001, A replaced by G.
Protein change: p.His334Arg; replaces histidine 334 with arginine.
Molecular consequence: missense variant.
Genome position (GRCh38, 1-based): chr8:47,939,663, T>C on the plus strand (A>G on the coding strand, the complement: PRKDC is on the minus strand). VCF-style: chr8-47939663-T-C. GRCh37 (hg19) VCF-style: chr8-48852223-T-C.
Other names: c.1001A>G, p.His334Arg (NM_001081640.2); short protein forms H334R.
Identifiers: ClinVar variation 1765114 (VCV001765114.2), dbSNP rs2551880154, ClinGen allele CA371166801.